The following is an entry in ClinVar:

NM_000548.5(TSC2):c.4979G>C (p.Gly1660Ala)

Gene: TSC2 (TSC complex subunit 2; plus strand). Cytogenetic location: 16p13.3.
Variant type: single nucleotide variant.
Coding change: c.4979G>C on transcript NM_000548.5 (MANE Select); coding-DNA position 4979, G replaced by C.
Protein change: p.Gly1660Ala; replaces glycine 1660 with alanine.
Molecular consequence: missense variant.
Genome position (GRCh38, 1-based): chr16:2,086,861, G>C. VCF-style: chr16-2086861-G-C. GRCh37 (hg19) VCF-style: chr16-2136862-G-C.
Other names: c.4778G>C, p.Gly1593Ala (NM_001077183.3); c.4910G>C, p.Gly1637Ala (NM_001114382.3); c.4670G>C, p.Gly1557Ala (NM_001318827.2); c.4634G>C, p.Gly1545Ala (NM_001318829.2); c.4247G>C, p.Gly1416Ala (NM_001318831.2); c.4811G>C, p.Gly1604Ala (NM_001318832.2); c.4781G>C, p.Gly1594Ala (NM_001363528.2); c.4847G>C, p.Gly1616Ala (NM_001370404.1); and 1 more; short protein forms G1593A, G1594A, G1616A, G1660A, G1545A, G1557A, G1604A, G1416A.
Identifiers: ClinVar variation 1040943 (VCV001040943.8), dbSNP rs1189857262, ClinGen allele CA394309166.

ClinVar aggregate classification (germline): Uncertain significance (1 of 4 stars; one submission).

Conditions:
Tuberous sclerosis 2 (TSC2). Identifiers: Orphanet 805, MedGen C1860707, MONDO:0013199, OMIM 613254.

Submission:

Labcorp Genetics (formerly Invitae), Labcorp
Classification: Uncertain significance for Tuberous sclerosis 2. Last evaluated: 2024-08-28. Review status: criteria provided, single submitter. Criteria: Invitae Variant Classification Sherloc (09022015). Collection method: clinical testing. Allele origin: germline.
Comment: This sequence change replaces glycine, which is neutral and non-polar, with alanine, which is neutral and non-polar, at codon 1660 of the TSC2 protein (p.Gly1660Ala). This variant is not present in population databases (gnomAD no frequency). This variant has not been reported in the literature in individuals affected with TSC2-related conditions. ClinVar contains an entry for this variant (Variation ID: 1040943). Invitae Evidence Modeling of protein sequence and biophysical properties (such as structural, functional, and spatial information, amino acid conservation, physicochemical variation, residue mobility, and thermodynamic stability) indicates that this missense variant is not expected to disrupt TSC2 protein function with a negative predictive value of 95%. In summary, the available evidence is currently insufficient to determine the role of this variant in disease. Therefore, it has been classified as a Variant of Uncertain Significance.